The following is an entry in ClinVar:

ClinVar aggregate classification (germline): Uncertain significance (1 of 4 stars; one submission).

Submission:

Labcorp Genetics (formerly Invitae), Labcorp
Classification: Uncertain significance. Last evaluated: 2022-02-24. Review status: criteria provided, single submitter. Criteria: Invitae Variant Classification Sherloc (09022015). Collection method: clinical testing. Allele origin: germline.
Comment: This variant is not present in population databases (gnomAD no frequency). This variant has not been reported in the literature in individuals affected with VPS13D-related conditions. Algorithms developed to predict the effect of missense changes on protein structure and function are either unavailable or do not agree on the potential impact of this missense change (SIFT: "Not Available"; PolyPhen-2: "Probably Damaging"; Align-GVGD: "Not Available"). In summary, the available evidence is currently insufficient to determine the role of this variant in disease. Therefore, it has been classified as a Variant of Uncertain Significance. This sequence change replaces valine, which is neutral and non-polar, with methionine, which is neutral and non-polar, at codon 2281 of the VPS13D protein (p.Val2281Met).

NM_015378.4(VPS13D):c.6841G>A (p.Val2281Met)

Gene: VPS13D (vacuolar protein sorting 13 homolog D; plus strand). Cytogenetic location: 1p36.22.
Variant type: single nucleotide variant.
Coding change: c.6841G>A on transcript NM_015378.4 (MANE Select); coding-DNA position 6841, G replaced by A.
Protein change: p.Val2281Met; replaces valine 2281 with methionine.
Molecular consequence: missense variant.
Genome position (GRCh38, 1-based): chr1:12,311,831, G>A. VCF-style: chr1-12311831-G-A. GRCh37 (hg19) VCF-style: chr1-12371888-G-A.
Other names: c.6841G>A, p.Val2281Met (NM_018156.4); short protein forms V2281M.
Identifiers: ClinVar variation 2071291 (VCV002071291.4), dbSNP rs2524188918, ClinGen allele CA338491967.